The following is an entry in ClinVar:

NM_004628.5(XPC):c.2420+2T>C

Gene: XPC (XPC complex subunit, DNA damage recognition and repair factor; minus strand). Cytogenetic location: 3p25.1.
Variant type: single nucleotide variant.
Coding change: c.2420+2T>C on transcript NM_004628.5 (MANE Select); the canonical splice donor site of the intron after coding-DNA position 2420, T replaced by C.
Molecular consequence: splice donor variant.
Genome position (GRCh38, 1-based): chr3:14,148,560, A>G on the plus strand (T>C on the coding strand, the complement: XPC is on the minus strand). VCF-style: chr3-14148560-A-G. GRCh37 (hg19) VCF-style: chr3-14190060-A-G.
Other names: c.2402+2T>C (NM_001354729.2); c.1841+2T>C (NM_001354726.2); c.2174+2T>C (NM_001354730.2); c.2414+2T>C (NM_001354727.2).
Identifiers: ClinVar variation 963704 (VCV000963704.10), dbSNP rs778987248, ClinGen allele CA2267162.

ClinVar aggregate classification (germline): Pathogenic/Likely pathogenic. Review status: criteria provided, multiple submitters, no conflicts (2 of 4 stars). 3 submissions from 3 submitters: Pathogenic (2); Likely pathogenic (1). Last evaluated 2023-01-04.

Conditions:
Xeroderma pigmentosum, group C (XPC). Also called: Xeroderma pigmentosum, complementation group C; XPC-Related Xeroderma Pigmentosum; XERODERMA PIGMENTOSUM III; XP, GROUP C. Identifiers: Orphanet 910, MedGen C2752147, MONDO:0010211, OMIM 278720.

Allele frequency attached by ClinVar (database versions not stated): gnomAD exomes below 0.00001 and 0.00001; TOPMed below 0.00001; ExAC 0.00001.
gnomAD v4.1: 4 of 1,613,658 alleles (0.00025%); highest among the groups gnomAD compares: Non-Finnish European, 0.000085%; no homozygotes.

Submissions (3):

Baylor Genetics
Classification: Pathogenic for Xeroderma pigmentosum, group C. Last evaluated: 2023-01-04. Review status: criteria provided, single submitter. Criteria: ACMG Guidelines, 2015. Collection method: clinical testing. Allele origin: unknown.

Labcorp Genetics (formerly Invitae), Labcorp
Classification: Likely pathogenic. Last evaluated: 2019-07-06. Review status: criteria provided, single submitter. Criteria: Invitae Variant Classification Sherloc (09022015). Collection method: clinical testing. Allele origin: germline.
Comment: Algorithms developed to predict the effect of sequence changes on RNA splicing suggest that this variant may disrupt the consensus splice site, but this prediction has not been confirmed by published transcriptional studies. This variant has been observed in a family diagnosed with xeroderma pigmentosum (PMID: 26884178). This variant is present in population databases (rs778987248, ExAC 0.002%). In summary, the currently available evidence indicates that the variant is pathogenic, but additional data are needed to prove that conclusively. Therefore, this variant has been classified as Likely Pathogenic. Donor and acceptor splice site variants typically lead to a loss of protein function (PMID: 16199547), and loss-of-function variants in XPC are known to be pathogenic (PMID: 23173980, 25256075). This sequence change affects a donor splice site in intron 13 of the XPC gene. It is expected to disrupt RNA splicing and likely results in an absent or disrupted protein product.

Kasturba Medical College, Manipal, Kasturba Medical College, Manipal, Manipal Academy of Higher Education, Manipal, India
Classification: Pathogenic for Xeroderma pigmentosum, group C. Review status: criteria provided, single submitter. Criteria: ACMG Guidelines, 2015. Collection method: research. Allele origin: maternal. Inheritance: Autosomal recessive inheritance. Affected: yes. Observed: 1 heterozygote.
Comment: This variant is not observed in homozygous state in gnomAD (v4.1.0) population database and our in-house database of 3464 individuals. This variant is observed in heterozygous state in four individuals in gnomAD (v4.1.0) population database and is not observed in our in-house database. The variant has been reported as pathogenic/likely pathogenic by two independent submitters in ClinVar database (Accession: VCV000963704.8).

Literature cited by the submitters: PubMed 26884178 (cited by Labcorp Genetics (formerly Invitae), Labcorp); PubMed 16199547 (cited by Labcorp Genetics (formerly Invitae), Labcorp); PubMed 23173980 (cited by Labcorp Genetics (formerly Invitae), Labcorp); PubMed 25256075 (cited by Labcorp Genetics (formerly Invitae), Labcorp).